The following is an entry in ClinVar:

NM_003480.4(MFAP5):c.386G>A (p.Cys129Tyr)

Gene: MFAP5 (microfibril associated protein 5; minus strand). Cytogenetic location: 12p13.31.
Variant type: single nucleotide variant.
Coding change: c.386G>A on transcript NM_003480.4 (MANE Select); coding-DNA position 386, G replaced by A.
Protein change: p.Cys129Tyr; replaces cysteine 129 with tyrosine.
Molecular consequence: missense variant. On other transcripts: non-coding transcript variant (2), intron variant (1).
Genome position (GRCh38, 1-based): chr12:8,649,524, C>T on the plus strand (G>A on the coding strand, the complement: MFAP5 is on the minus strand). VCF-style: chr12-8649524-C-T. GRCh37 (hg19) VCF-style: chr12-8802120-C-T.
Other names: c.356G>A, p.Cys119Tyr (NM_001297709.2); c.320G>A, p.Cys107Tyr (NM_001297710.2); c.311G>A, p.Cys104Tyr (NM_001297711.2); c.218-1321G>A (NM_001297712.2); short protein forms C104Y, C119Y, C107Y, C129Y.
Identifiers: ClinVar variation 2625339 (VCV002625339.6), dbSNP rs752465187, ClinGen allele CA6434594.

ClinVar aggregate classification (germline): Uncertain significance. Review status: criteria provided, multiple submitters, no conflicts (2 of 4 stars). 2 submissions from 2 submitters: Uncertain significance (2). Last evaluated 2025-11-24.

Conditions:
Cardiovascular phenotype. Identifiers: MedGen CN230736.

Allele frequency attached by ClinVar (database versions not stated): gnomAD 0.00001; ExAC 0.00002; gnomAD exomes 0.00001; TOPMed 0.00003.

Submissions (2):

Ambry Genetics
Classification: Uncertain significance for Cardiovascular phenotype. Last evaluated: 2025-11-24. Review status: criteria provided, single submitter. Criteria: Ambry Variant Classification Scheme 2023. Collection method: clinical testing. Allele origin: germline.

Labcorp Genetics (formerly Invitae), Labcorp
Classification: Uncertain significance. Last evaluated: 2025-06-06. Review status: criteria provided, single submitter. Criteria: Invitae Variant Classification Sherloc (09022015). Collection method: clinical testing. Allele origin: germline.
Comment: This sequence change replaces cysteine, which is neutral and slightly polar, with tyrosine, which is neutral and polar, at codon 129 of the MFAP5 protein (p.Cys129Tyr). This variant is present in population databases (rs752465187, gnomAD 0.002%). This variant has not been reported in the literature in individuals affected with MFAP5-related conditions. ClinVar contains an entry for this variant (Variation ID: 2625339). An algorithm developed to predict the effect of missense changes on protein structure and function (PolyPhen-2) suggests that this variant is likely to be disruptive. In summary, the available evidence is currently insufficient to determine the role of this variant in disease. Therefore, it has been classified as a Variant of Uncertain Significance.